The following is an entry in ClinVar:

NM_017780.4(CHD7):c.8947T>G (p.Ser2983Ala)

Gene: CHD7 (chromodomain helicase DNA binding protein 7; plus strand). Cytogenetic location: 8q12.2.
Variant type: single nucleotide variant.
Coding change: c.8947T>G on transcript NM_017780.4 (MANE Select); coding-DNA position 8947, T replaced by G.
Protein change: p.Ser2983Ala; replaces serine 2983 with alanine.
Molecular consequence: missense variant.
Genome position (GRCh38, 1-based): chr8:60,865,886, T>G. VCF-style: chr8-60865886-T-G. GRCh37 (hg19) VCF-style: chr8-61778445-T-G.
Other names: c.2800T>G, p.Ser934Ala (NM_001316690.1); short protein forms S2983A, S934A.
Identifiers: ClinVar variation 1765199 (VCV001765199.2), dbSNP rs2488155327, ClinGen allele CA371313408.

ClinVar aggregate classification (germline): Uncertain significance (1 of 4 stars; one submission).

Conditions:
Inborn genetic diseases. Identifiers: MedGen C0950123, MeSH D030342.

Submission:

Ambry Genetics
Classification: Uncertain significance for Inborn genetic diseases. Last evaluated: 2018-02-01. Review status: criteria provided, single submitter. Criteria: Ambry Variant Classification Scheme 2023. Collection method: clinical testing. Allele origin: germline.
Comment: The p.S2983A variant (also known as c.8947T>G), located in coding exon 37 of the CHD7 gene, results from a T to G substitution at nucleotide position 8947. The serine at codon 2983 is replaced by alanine, an amino acid with some similar properties. This amino acid position is well conserved in available vertebrate species. In addition, this alteration is predicted to be tolerated by in silico analysis. Since supporting evidence is limited at this time, the clinical significance of this alteration remains unclear.